The following is an entry in ClinVar:

ClinVar aggregate classification (germline): Uncertain significance (1 of 4 stars; one submission).

Submission:

Labcorp Genetics (formerly Invitae), Labcorp
Classification: Uncertain significance. Last evaluated: 2022-01-18. Review status: criteria provided, single submitter. Criteria: Invitae Variant Classification Sherloc (09022015). Collection method: clinical testing. Allele origin: germline.
Comment: This sequence change replaces aspartic acid, which is acidic and polar, with glycine, which is neutral and non-polar, at codon 91 of the NTHL1 protein (p.Asp91Gly). This variant is not present in population databases (gnomAD no frequency). This variant has not been reported in the literature in individuals affected with NTHL1-related conditions. Algorithms developed to predict the effect of missense changes on protein structure and function output the following: SIFT: "Not Available"; PolyPhen-2: "Benign"; Align-GVGD: "Not Available". The glycine amino acid residue is found in multiple mammalian species, which suggests that this missense change does not adversely affect protein function. In summary, the available evidence is currently insufficient to determine the role of this variant in disease. Therefore, it has been classified as a Variant of Uncertain Significance.

NM_002528.7(NTHL1):c.248A>G (p.Asp83Gly)

Gene: NTHL1 (nth like DNA glycosylase 1; minus strand). Cytogenetic location: 16p13.3.
Variant type: single nucleotide variant.
Coding change: c.248A>G on transcript NM_002528.7 (MANE Select); coding-DNA position 248, A replaced by G.
Protein change: p.Asp83Gly; replaces aspartic acid 83 with glycine.
Molecular consequence: missense variant. On other transcripts: intron variant (1).
Genome position (GRCh38, 1-based): chr16:2,046,234, T>C on the plus strand (A>G on the coding strand, the complement: NTHL1 is on the minus strand). VCF-style: chr16-2046234-T-C. GRCh37 (hg19) VCF-style: chr16-2096235-T-C.
Other names: c.248A>G, p.Asp83Gly (NM_001318193.2); c.24+46A>G (NM_001318194.2); short protein forms D83G.
Identifiers: ClinVar variation 1969482 (VCV001969482.5), dbSNP rs2548320199, ClinGen allele CA394297154.